The following is an entry in ClinVar:

ClinVar aggregate classification (germline): Uncertain significance (1 of 4 stars; one submission).

Conditions:
Catecholaminergic polymorphic ventricular tachycardia 1. Also called: VENTRICULAR TACHYCARDIA, STRESS-INDUCED POLYMORPHIC 1; RYR2-Related Catecholaminergic Polymorphic Ventricular Tachycardia; VENTRICULAR TACHYCARDIA, CATECHOLAMINERGIC POLYMORPHIC, 1, WITH OR WITHOUT ATRIAL DYSFUNCTION AND/OR DILATED CARDIOMYOPATHY. Identifiers: Orphanet 3286, MedGen C1631597, MONDO:0011484, OMIM 604772.

Submission:

Labcorp Genetics (formerly Invitae), Labcorp
Classification: Uncertain significance for Catecholaminergic polymorphic ventricular tachycardia 1. Last evaluated: 2025-03-02. Review status: criteria provided, single submitter. Criteria: Invitae Variant Classification Sherloc (09022015). Collection method: clinical testing. Allele origin: germline.
Comment: This sequence change replaces phenylalanine, which is neutral and non-polar, with leucine, which is neutral and non-polar, at codon 3790 of the RYR2 protein (p.Phe3790Leu). This variant is not present in population databases (gnomAD no frequency). This variant has not been reported in the literature in individuals affected with RYR2-related conditions. Invitae Evidence Modeling of protein sequence and biophysical properties (such as structural, functional, and spatial information, amino acid conservation, physicochemical variation, residue mobility, and thermodynamic stability) indicates that this missense variant is expected to disrupt RYR2 protein function with a positive predictive value of 80%. In summary, the available evidence is currently insufficient to determine the role of this variant in disease. Therefore, it has been classified as a Variant of Uncertain Significance.

NM_001035.3(RYR2):c.11368T>C (p.Phe3790Leu)

Gene: RYR2 (ryanodine receptor 2; plus strand). Cytogenetic location: 1q43.
Variant type: single nucleotide variant.
Coding change: c.11368T>C on transcript NM_001035.3 (MANE Select); coding-DNA position 11368, T replaced by C.
Protein change: p.Phe3790Leu; replaces phenylalanine 3790 with leucine.
Molecular consequence: missense variant.
Genome position (GRCh38, 1-based): chr1:237,759,818, T>C. VCF-style: chr1-237759818-T-C. GRCh37 (hg19) VCF-style: chr1-237923118-T-C.
Other names: short protein forms F3790L.
Identifiers: ClinVar variation 4800112 (VCV004800112.1).
Genomic context (GRCh38, chr1:237,759,818, plus strand): 5'-TTTCTATAATTCCCATAGAAAATGCTTGACTACCTCAAGGAGAAAAAGGATGTGGGCTTC[T>C]TTCAGAGCCTGGCCGGCCTGATGCAGTCATGTAGGTAAGGACTCACTTCCTTCTTGGGGG-3'
Protein context (NP_001026.2, residues 3780-3800): YLKEKKDVGF[Phe3790Leu]QSLAGLMQSC